The following is an entry in ClinVar:

NM_001291303.3(FAT4):c.3133G>A (p.Gly1045Ser)

Gene: FAT4 (FAT atypical cadherin 4; plus strand). Cytogenetic location: 4q28.1.
Variant type: single nucleotide variant.
Coding change: c.3133G>A on transcript NM_001291303.3 (MANE Select); coding-DNA position 3133, G replaced by A.
Protein change: p.Gly1045Ser; replaces glycine 1045 with serine.
Molecular consequence: missense variant.
Genome position (GRCh38, 1-based): chr4:125,319,544, G>A. VCF-style: chr4-125319544-G-A. GRCh37 (hg19) VCF-style: chr4-126240699-G-A.
Other names: c.3133G>A, p.Gly1045Ser (NM_001291285.3, NM_024582.6); short protein forms G1045S.
Identifiers: ClinVar variation 1514715 (VCV001514715.8), dbSNP rs2125942862, ClinGen allele CA358121837.

ClinVar aggregate classification (germline): Uncertain significance (1 of 4 stars; one submission).

Submission:

Labcorp Genetics (formerly Invitae), Labcorp
Classification: Uncertain significance. Last evaluated: 2022-09-13. Review status: criteria provided, single submitter. Criteria: Invitae Variant Classification Sherloc (09022015). Collection method: clinical testing. Allele origin: germline.
Comment: This sequence change replaces glycine, which is neutral and non-polar, with serine, which is neutral and polar, at codon 1045 of the FAT4 protein (p.Gly1045Ser). This variant is not present in population databases (gnomAD no frequency). In summary, the available evidence is currently insufficient to determine the role of this variant in disease. Therefore, it has been classified as a Variant of Uncertain Significance. Advanced modeling of protein sequence and biophysical properties (such as structural, functional, and spatial information, amino acid conservation, physicochemical variation, residue mobility, and thermodynamic stability) performed at Invitae indicates that this missense variant is expected to disrupt FAT4 protein function. ClinVar contains an entry for this variant (Variation ID: 1514715). This variant has not been reported in the literature in individuals affected with FAT4-related conditions.